The following is an entry in ClinVar:

NM_001367624.2(ZNF469):c.109G>T (p.Asp37Tyr)

Gene: ZNF469 (zinc finger protein 469; plus strand). Cytogenetic location: 16q24.2.
Variant type: single nucleotide variant.
Coding change: c.109G>T on transcript NM_001367624.2 (MANE Select); coding-DNA position 109, G replaced by T.
Protein change: p.Asp37Tyr; replaces aspartic acid 37 with tyrosine.
Molecular consequence: missense variant.
Genome position (GRCh38, 1-based): chr16:88,427,579, G>T. VCF-style: chr16-88427579-G-T. GRCh37 (hg19) VCF-style: chr16-88493987-G-T.
Other names: NM_001127464.1:c.109G>T; short protein forms D37Y.
Identifiers: ClinVar variation 3821104 (VCV003821104.1).

ClinVar aggregate classification (germline): Uncertain significance (1 of 4 stars; one submission).

Conditions:
Cardiovascular phenotype. Identifiers: MedGen CN230736.

Submission:

Ambry Genetics
Classification: Uncertain significance for Cardiovascular phenotype. Last evaluated: 2024-12-29. Review status: criteria provided, single submitter. Criteria: Ambry Variant Classification Scheme 2023. Collection method: clinical testing. Allele origin: germline.
Comment: The p.D37Y variant (also known as c.109G>T), located in coding exon 1 of the ZNF469 gene, results from a G to T substitution at nucleotide position 109. The aspartic acid at codon 37 is replaced by tyrosine, an amino acid with highly dissimilar properties. This amino acid position is conserved. In addition, this alteration is predicted to be tolerated by in silico analysis. Based on the available evidence, the clinical significance of this variant remains unclear.